The following is an entry in ClinVar:

ClinVar aggregate classification (germline): Pathogenic (1 of 4 stars; one submission).

Conditions:
Breast-ovarian cancer, familial, susceptibility to, 4. Identifiers: Orphanet 145, MedGen C3280345, MONDO:0013669, OMIM 614291.

Submission:

Labcorp Genetics (formerly Invitae), Labcorp
Classification: Pathogenic for Breast-ovarian cancer, familial 4. Last evaluated: 2019-05-02. Review status: criteria provided, single submitter. Criteria: Invitae Variant Classification Sherloc (09022015). Collection method: clinical testing. Allele origin: germline.
Comment: This variant is a gross deletion of the genomic region encompassing exons 1-3 of the RAD51D gene, which includes the initiator codon. The 5' end of this event is unknown as it extends beyond the assayed region for this gene and therefore may encompass additional genes. The 3' boundary is likely confined to intron 3 of the RAD51D gene. This is expected to result in an absent or disrupted protein product. This variant has not been reported in the literature in individuals with RAD51D-related disease. Loss-of-function variants in RAD51D are known to be pathogenic (PMID: 21822267). For these reasons, this variant has been classified as Pathogenic.

NC_000017.11:g.(?_35118491)_(35119623_?)del

Genes: RAD51L3-RFFL (RAD51L3-RFFL readthrough; minus strand), RAD51D (RAD51 paralog D; minus strand). Cytogenetic location: 17q12.
Variant type: Deletion.
Identifiers: ClinVar variation 584274 (VCV000584274.3).